The following is an entry in ClinVar:

NM_001114134.2(EPB42):c.655-5A>G

Gene: EPB42 (erythrocyte membrane protein band 4.2; minus strand). Cytogenetic location: 15q15.2.
Variant type: single nucleotide variant.
Coding change: c.655-5A>G on transcript NM_001114134.2 (MANE Select); 5 bases into the intron before coding-DNA position 655, A replaced by G.
Molecular consequence: intron variant.
Genome position (GRCh38, 1-based): chr15:43,209,456, T>C on the plus strand (A>G on the coding strand, the complement: EPB42 is on the minus strand). VCF-style: chr15-43209456-T-C. GRCh37 (hg19) VCF-style: chr15-43501654-T-C.
Other names: c.745-5A>G (NM_000119.3).
Identifiers: ClinVar variation 4989468 (VCV004989468.1).

ClinVar aggregate classification (germline): Uncertain significance (1 of 4 stars; one submission).

Conditions:
EPB42-related disorder. Also called: EPB42-related condition.

Submission:

PreventionGenetics, part of Exact Sciences
Classification: Uncertain significance for EPB42-related condition. Last evaluated: 2025-10-01. Review status: criteria provided, single submitter. Criteria: ACMG Guidelines, 2015. Collection method: clinical testing. Allele origin: germline.
Comment: The EPB42 c.745-5A>G variant is predicted to interfere with splicing. To our knowledge, this variant has not been reported in the literature. This variant is reported in 0.0082% of alleles in individuals of African descent in gnomAD. This variant is predicted to alter splicing based on available splicing prediction programs (SpliceAI, Jaganathan et al. 2019. PubMed ID: 30661751). However, the use of computer prediction programs is not equivalent to functional evidence. Although we suspect that this variant may be pathogenic, at this time, the clinical significance of this variant is uncertain due to the absence of conclusive functional and genetic evidence.